The following is an entry in ClinVar:

ClinVar aggregate classification (germline): Uncertain significance (1 of 4 stars; one submission).

Conditions:
Diamond-Blackfan anemia. Also called: Blackfan Diamond syndrome; Aregenerative anemia chronic congenital; Red cell aplasia, pure hereditary; Congenital hypoplastic anemia; Aase syndrome. Identifiers: Orphanet 124, MedGen C1260899, MeSH D029503, MONDO:0015253, HP:0004810.

Allele frequency attached by ClinVar (database versions not stated): gnomAD exomes 0.00001; ExAC 0.00001.
gnomAD v4.1: 14 of 1,613,836 alleles (0.00087%); highest among the groups gnomAD compares: Middle Eastern, 0.016%; no homozygotes.

Submission:

Labcorp Genetics (formerly Invitae), Labcorp
Classification: Uncertain significance for Diamond-Blackfan anemia. Last evaluated: 2023-02-16. Review status: criteria provided, single submitter. Criteria: Invitae Variant Classification Sherloc (09022015). Collection method: clinical testing. Allele origin: germline.
Comment: This sequence change replaces arginine, which is basic and polar, with glutamine, which is neutral and polar, at codon 94 of the RPS19 protein (p.Arg94Gln). This variant is present in population databases (rs781883244, gnomAD no frequency). This variant has not been reported in the literature in individuals affected with RPS19-related conditions. An algorithm developed to predict the effect of missense changes on protein structure and function (PolyPhen-2) suggests that this variant is likely to be tolerated. In summary, the available evidence is currently insufficient to determine the role of this variant in disease. Therefore, it has been classified as a Variant of Uncertain Significance.

NM_001022.4(RPS19):c.281G>A (p.Arg94Gln)

Genes: RPS19 (ribosomal protein S19; plus strand), RPS19-CD79A (RPS19-CD79A readthrough; plus strand). Cytogenetic location: 19q13.2.
Variant type: single nucleotide variant.
Coding change: c.281G>A on transcript NM_001022.4 (MANE Select); coding-DNA position 281, G replaced by A.
Protein change: p.Arg94Gln; replaces arginine 94 with glutamine.
Molecular consequence: missense variant. On other transcripts: synonymous variant (1).
Genome position (GRCh38, 1-based): chr19:41,869,139, G>A. VCF-style: chr19-41869139-G-A. GRCh37 (hg19) VCF-style: chr19-42373209-G-A.
Other names: c.281G>A, p.Arg94Gln (NM_001321483.2, NM_001321484.2); c.294G>A, p.Pro98= (NM_001321485.2); short protein forms R94Q.
Identifiers: ClinVar variation 2726149 (VCV002726149.3), dbSNP rs781883244, ClinGen allele CA9465362.
Genomic context (GRCh38, chr19:41,869,139, plus strand): 5'-CCATGACCAAGATCTATGGGGGACGTCAGAGAAACGGCGTCATGCCCAGCCACTTCAGCC[G>A]AGGCTCCAAGAGTGTGGCCCGCCGGGTCCTCCAAGCCCTGGAGGGGCTGAAAATGGTGGA-3'
Protein context (NP_001013.1, residues 84-104): RNGVMPSHFS[Arg94Gln]GSKSVARRVL